The following is an entry in ClinVar:

NM_000642.3(AGL):c.386_387insACTGTCTCTTATACACA (p.Gln130fs)

Gene: AGL (amylo-alpha-1,6-glucosidase and 4-alpha-glucanotransferase; plus strand). Cytogenetic location: 1p21.2.
Variant type: Insertion.
Coding change: c.386_387insACTGTCTCTTATACACA on transcript NM_000642.3 (MANE Select); coding-DNA positions 386 to 387, ACTGTCTCTTATACACA inserted.
Protein change: p.Gln130fs; shifts the reading frame from glutamine 130.
Molecular consequence: frameshift variant. On other transcripts: intron variant (1).
Genome position: GRCh38 VCF-style: chr1-99862349-T-TACTGTCTCTTATACACA. GRCh37 (hg19) VCF-style: chr1-100327905-T-TACTGTCTCTTATACACA.
Other names: c.386_387insACTGTCTCTTATACACA, p.Gln130fs (NM_000028.3, NM_000643.3, NM_000644.3 and 5 more transcripts); c.338_339insACTGTCTCTTATACACA, p.Gln114fs (NM_000646.3); c.83-2037_83-2036insACTGTCTCTTATACACA (NM_001425332.1); short protein forms Q114fs, Q130fs.
Identifiers: ClinVar variation 5011727 (VCV005011727.1).

ClinVar aggregate classification (germline): Pathogenic (1 of 4 stars; one submission).

Conditions:
Glycogen storage disease type III (GSD3). Also called: FORBES DISEASE; Cori disease. Identifiers: Orphanet 366, MedGen C0017922, MONDO:0009291, OMIM 232400.

Submission:

Myriad Genetics, Inc.
Classification: Pathogenic for Glycogen storage disease type III. Last evaluated: 2023-09-22. Review status: criteria provided, single submitter. Criteria: Myriad Autosomal Dominant, Autosomal Recessive and X-Linked Classification Criteria (2023). Collection method: clinical testing. Allele origin: unknown.
Comment: NM_000642.2(AGL):c.386_387ins17(Q130Lfs*10) is expected to be pathogenic in the context of glycogen storage disease type III. This variant is predicted to lead to an abnormal or absent protein product due to the creation of a premature termination codon in AGL, a gene where loss-of-function variants are known to be pathogenic. Please note: this variant was assessed in the context of healthy population screening.